The following is an entry in ClinVar:

NM_001943.5(DSG2):c.967A>G (p.Ile323Val)

Gene: DSG2 (desmoglein 2; plus strand). Cytogenetic location: 18q12.1.
Variant type: single nucleotide variant.
Coding change: c.967A>G on transcript NM_001943.5 (MANE Select); coding-DNA position 967, A replaced by G.
Protein change: p.Ile323Val; replaces isoleucine 323 with valine.
Molecular consequence: missense variant.
Genome position (GRCh38, 1-based): chr18:31,524,841, A>G. VCF-style: chr18-31524841-A-G. GRCh37 (hg19) VCF-style: chr18-29104804-A-G.
Other names: c.967A>G (LRG_397t1); short protein forms I323V.
Identifiers: ClinVar variation 264242 (VCV000264242.8), dbSNP rs886039096, ClinGen allele CA10587911.

ClinVar aggregate classification (germline): Uncertain significance. Review status: criteria provided, multiple submitters, no conflicts (2 of 4 stars). 2 submissions from 2 submitters: Uncertain significance (2). Last evaluated 2023-08-31.

Conditions:
Cardiovascular phenotype. Identifiers: MedGen CN230736.
Arrhythmogenic right ventricular dysplasia 10. Also called: Arrhythmogenic Right Ventricular Dysplasia/Cardiomyopathy10; ARRHYTHMOGENIC RIGHT VENTRICULAR DYSPLASIA, FAMILIAL, 10; Arrhythmogenic right ventricular dysplasia/cardiomyopathy, type 10. Identifiers: MedGen C1857777, MONDO:0012434, OMIM 610193.

Allele frequency attached by ClinVar (database versions not stated): gnomAD exomes below 0.00001; TOPMed below 0.00001.
gnomAD v4.1: 2 of 1,614,238 alleles (0.00012%); highest among the groups gnomAD compares: Middle Eastern, 0.016%; no homozygotes.

Submissions (2):

Labcorp Genetics (formerly Invitae), Labcorp
Classification: Uncertain significance for Arrhythmogenic right ventricular dysplasia 10. Last evaluated: 2023-08-31. Review status: criteria provided, single submitter. Criteria: Invitae Variant Classification Sherloc (09022015). Collection method: clinical testing. Allele origin: germline.
Comment: This variant is not present in population databases (gnomAD no frequency). This variant has not been reported in the literature in individuals affected with DSG2-related conditions. ClinVar contains an entry for this variant (Variation ID: 264242). Advanced modeling of protein sequence and biophysical properties (such as structural, functional, and spatial information, amino acid conservation, physicochemical variation, residue mobility, and thermodynamic stability) performed at Invitae indicates that this missense variant is not expected to disrupt DSG2 protein function. In summary, the available evidence is currently insufficient to determine the role of this variant in disease. Therefore, it has been classified as a Variant of Uncertain Significance. This sequence change replaces isoleucine, which is neutral and non-polar, with valine, which is neutral and non-polar, at codon 323 of the DSG2 protein (p.Ile323Val).

Ambry Genetics
Classification: Uncertain significance for Cardiovascular phenotype. Last evaluated: 2015-08-06. Review status: criteria provided, single submitter. Criteria: Ambry Variant Classification Scheme 2023. Collection method: clinical testing. Allele origin: germline.
Comment: The p.I323V variant (also known as c.967A>G), located in coding exon 8 of the DSG2 gene, results from an A to G substitution at nucleotide position 967. The isoleucine at codon 323 is replaced by valine, an amino acid with highly similar properties. This variant was not reported in population based cohorts in the following databases: Database of Single Nucleotide Polymorphisms (dbSNP), NHLBI Exome Sequencing Project (ESP), Exome Aggregation Consortium (ExAC) and 1000 Genomes Project. In the ESP, this variant was not observed in 5969 samples (11938 alleles) with coverage at this position. This amino acid position is well conserved in available vertebrate species; however, valine is the reference amino acid in one species. In addition, this alteration is predicted to be tolerated by in silico analysis. Since supporting evidence for this variant is limited at this time, the clinical significance remains unclear.